The following is an entry in ClinVar:

NM_025137.4(SPG11):c.3783del (p.Gly1262fs)

Gene: SPG11 (SPG11 vesicle trafficking associated, spatacsin; minus strand). Cytogenetic location: 15q21.1.
Variant type: Deletion.
Coding change: c.3783del on transcript NM_025137.4 (MANE Select); coding-DNA position 3783, one base deleted (T; older notation c.3783delT).
Protein change: p.Gly1262fs; shifts the reading frame from glycine 1262.
Molecular consequence: frameshift variant.
Genome position (GRCh38, 1-based): chr15:44,598,740, A deleted on the plus strand (T on the coding strand, the reverse complement: SPG11 is on the minus strand); the first of 2 consecutive A bases (chr15:44,598,740-44,598,741); deleting either gives the same sequence. VCF-style (leftmost placement, unchanged base first): chr15-44598739-CA-C. GRCh37 (hg19) VCF-style: chr15-44890937-CA-C.
Other names: c.3783del, p.Gly1262fs (NM_001160227.2, NM_001411132.1); short protein forms G1262fs.
Identifiers: ClinVar variation 3336669 (VCV003336669.1).

ClinVar aggregate classification (germline): Likely pathogenic (1 of 4 stars; one submission).

Conditions:
Amyotrophic lateral sclerosis type 5 (ALS5). Also called: AMYOTROPHIC LATERAL SCLEROSIS 5, JUVENILE. Identifiers: Orphanet 300605, MedGen C1865864, MONDO:0011196, OMIM 602099.
Hereditary spastic paraplegia 11. Also called: SPASTIC PARAPLEGIA, AUTOSOMAL RECESSIVE, COMPLICATED, WITH THIN CORPUS CALLOSUM; SPASTIC PARAPLEGIA, AUTOSOMAL RECESSIVE, WITH MENTAL IMPAIRMENT AND THIN CORPUS CALLOSUM; Nakamura Osame syndrome; Autosomal recessive hereditary spastic paraplegia, mental impairment, and thin corpus callosum; Spastic Paraplegia 11; Spastic paraplegia, mental retardation and thin corpus callosum. Identifiers: Orphanet 2822, MedGen C1858479, MONDO:0011445, OMIM 604360.
Charcot-Marie-Tooth disease axonal type 2X. Also called: CHARCOT-MARIE-TOOTH DISEASE, AXONAL, AUTOSOMAL RECESSIVE, TYPE 2X; CHARCOT-MARIE-TOOTH NEUROPATHY, TYPE 2X. Identifiers: Orphanet 466775, MedGen C5569024, MONDO:0014726, OMIM 616668.

Submission:

Igenomix - Part of Vitrolife Group, Igenomix
Classification: Likely pathogenic for Amyotrophic lateral sclerosis type 5; Charcot-Marie-Tooth disease axonal type 2X; Hereditary spastic paraplegia 11. Review status: criteria provided, single submitter. Criteria: ACMG Guidelines, 2015. Collection method: clinical testing. Allele origin: germline. Inheritance: Autosomal recessive inheritance. Affected: no.
Comment: The SPG11 variant (p.Gly1262Alafs*11) is predicted to result in frameshift and premature truncation of the protein 10 amino acids downstream to codon 1262 in the new coding frame (PVS1). This variant is present exon 22/40. Truncations downstream of this position have been classified as pathogenic. This variant is absent in the gnomAD v4.1.0 (PM2). To our knowledge, no experimental evidence demonstrating an impact on protein function has been reported. Based on the evidence outlined above, the variant was classified as likely pathogenic. This variant was detected in the heterozygous state through carrier screening.